The following is an entry in ClinVar:

NM_024675.4(PALB2):c.2773G>A (p.Val925Met)

Gene: PALB2 (partner and localizer of BRCA2; minus strand). Cytogenetic location: 16p12.2.
Variant type: single nucleotide variant.
Coding change: c.2773G>A on transcript NM_024675.4 (MANE Select); coding-DNA position 2773, G replaced by A.
Protein change: p.Val925Met; replaces valine 925 with methionine.
Molecular consequence: missense variant.
Genome position (GRCh38, 1-based): chr16:23,624,070, C>T on the plus strand (G>A on the coding strand, the complement: PALB2 is on the minus strand). VCF-style: chr16-23624070-C-T. GRCh37 (hg19) VCF-style: chr16-23635391-C-T.
Other names: short protein forms V925M.
Identifiers: ClinVar variation 651937 (VCV000651937.10), dbSNP rs180177125, ClinGen allele CA395145141.

ClinVar aggregate classification (germline): Conflicting classifications of pathogenicity. Review status: criteria provided, conflicting classifications (1 of 4 stars). 2 submissions from 2 submitters: Uncertain significance (1); Likely benign (1). Last evaluated 2023-12-14.

Conditions:
Hereditary cancer-predisposing syndrome. Also called: Neoplastic Syndromes, Hereditary; Tumor predisposition; Hereditary Cancer Syndrome; Hereditary neoplastic syndrome. Identifiers: Orphanet 140162, MedGen C0027672, MeSH D009386, MONDO:0015356.
Familial cancer of breast. Also called: hereditary breast carcinoma; BREAST CANCER, FAMILIAL; Hereditary breast cancer. Identifiers: Orphanet 227535, MedGen C0346153, MONDO:0016419, OMIM 114480. Disease mechanism: loss of function.

gnomAD v4.1: 1 of 1,607,382 alleles (0.000062%); highest among the groups gnomAD compares: African/African-American, 0.0013%; no homozygotes.

Submissions (2):

Ambry Genetics
Classification: Likely benign for Hereditary cancer-predisposing syndrome. Last evaluated: 2023-12-14. Review status: criteria provided, single submitter. Criteria: Ambry Variant Classification Scheme 2023. Collection method: clinical testing. Allele origin: germline.

Labcorp Genetics (formerly Invitae), Labcorp
Classification: Uncertain significance for Familial cancer of breast. Last evaluated: 2023-05-18. Review status: criteria provided, single submitter. Criteria: Invitae Variant Classification Sherloc (09022015). Collection method: clinical testing. Allele origin: germline.
Comment: This sequence change replaces valine, which is neutral and non-polar, with methionine, which is neutral and non-polar, at codon 925 of the PALB2 protein (p.Val925Met). ClinVar contains an entry for this variant (Variation ID: 651937). This variant has not been reported in the literature in individuals affected with PALB2-related conditions. This variant is not present in population databases (gnomAD no frequency). In summary, the available evidence is currently insufficient to determine the role of this variant in disease. Therefore, it has been classified as a Variant of Uncertain Significance. Advanced modeling of protein sequence and biophysical properties (such as structural, functional, and spatial information, amino acid conservation, physicochemical variation, residue mobility, and thermodynamic stability) performed at Invitae indicates that this missense variant is not expected to disrupt PALB2 protein function.